The following is an entry in ClinVar:

ClinVar aggregate classification (germline): Uncertain significance. Review status: criteria provided, multiple submitters, no conflicts (2 of 4 stars). 3 submissions from 3 submitters: Uncertain significance (3). Last evaluated 2025-10-15.

Conditions:
SCN1A-related disorder. Also called: SCN1A-related disorders; SCN1A-related conditions; SCN1A-related condition.
Early-infantile DEE. Also called: Early infantile epileptic encephalopathy with suppression bursts; Ohtahara syndrome; Early infantile epileptic encephalopathy. Identifiers: Orphanet 1934, MedGen C0393706, MONDO:0800491.

Allele frequency attached by ClinVar (database versions not stated): gnomAD exomes 0.00001.
gnomAD v4.1: 6 of 1,613,640 alleles (0.00037%); highest among the groups gnomAD compares: Non-Finnish European, 0.00051%; no homozygotes.

Submissions (3):

Labcorp Genetics (formerly Invitae), Labcorp
Classification: Uncertain significance for Early-infantile DEE. Last evaluated: 2025-10-15. Review status: criteria provided, single submitter. Criteria: Invitae Variant Classification Sherloc (09022015). Collection method: clinical testing. Allele origin: germline.
Comment: This sequence change replaces glutamic acid, which is acidic and polar, with glutamine, which is neutral and polar, at codon 456 of the SCN1A protein (p.Glu456Gln). This variant is present in population databases (no rsID available, gnomAD 0.0009%). This missense change has been observed in individual(s) with clinical features of SCN1A-related conditions (internal data). ClinVar contains an entry for this variant (Variation ID: 1037203). Invitae Evidence Modeling of protein sequence and biophysical properties (such as structural, functional, and spatial information, amino acid conservation, physicochemical variation, residue mobility, and thermodynamic stability) indicates that this missense variant is not expected to disrupt SCN1A protein function with a negative predictive value of 95%. In summary, the available evidence is currently insufficient to determine the role of this variant in disease. Therefore, it has been classified as a Variant of Uncertain Significance.

Women's Health and Genetics/Laboratory Corporation of America, LabCorp
Classification: Uncertain significance. Last evaluated: 2025-10-02. Review status: criteria provided, single submitter. Criteria: LabCorp Variant Classification Summary - May 2015. Collection method: clinical testing. Allele origin: germline.
Comment: Variant summary: SCN1A c.1366G>C (p.Glu456Gln) results in a conservative amino acid change in the encoded protein sequence. Algorithms developed to predict the effect of missense changes on protein structure and function are either unavailable or do not agree on the potential impact of this missense change. The variant allele was found at a frequency of 8e-06 in 250788 control chromosomes. The available data on variant occurrences in the general population are insufficient to allow any conclusion about variant significance. c.1366G>C has been observed in individual(s) affected with SCN1A-Related Seizure Disorder (internal data). These data do not allow any conclusion about variant significance. To our knowledge, no experimental evidence demonstrating an impact on protein function has been reported. ClinVar contains an entry for this variant (Variation ID: 1037203). Based on the evidence outlined above, the variant was classified as uncertain significance.

PreventionGenetics, part of Exact Sciences
Classification: Uncertain significance for SCN1A-related condition. Last evaluated: 2025-02-04. Review status: criteria provided, single submitter. Criteria: ACMG Guidelines, 2015. Collection method: clinical testing. Allele origin: germline.
Comment: The SCN1A c.1366G>C variant is predicted to result in the amino acid substitution p.Glu456Gln. To our knowledge, this variant has not been reported in the literature. This variant is reported in 0.0018% of alleles in individuals of European (Non-Finnish) descent in gnomAD. At this time, the clinical significance of this variant is uncertain due to the absence of conclusive functional and genetic evidence.

NM_001165963.4(SCN1A):c.1366G>C (p.Glu456Gln)

Gene: SCN1A (sodium voltage-gated channel alpha subunit 1; minus strand). Cytogenetic location: 2q24.3.
Variant type: single nucleotide variant.
Coding change: c.1366G>C on transcript NM_001165963.4 (MANE Select); coding-DNA position 1366, G replaced by C.
Protein change: p.Glu456Gln; replaces glutamic acid 456 with glutamine.
Molecular consequence: missense variant. On other transcripts: 5 prime UTR variant (1), non-coding transcript variant (1).
Genome position (GRCh38, 1-based): chr2:166,046,781, C>G on the plus strand (G>C on the coding strand, the complement: SCN1A is on the minus strand). VCF-style: chr2-166046781-C-G. GRCh37 (hg19) VCF-style: chr2-166903291-C-G.
Other names: c.1366G>C (NM_001202435.1); c.1366G>C, p.Glu456Gln (NM_001353949.2, NM_001353950.2, NM_001353951.2 and 10 more transcripts); c.-1060G>C (NM_001353961.2); short protein forms E456Q.
Identifiers: ClinVar variation 1037203 (VCV001037203.13), dbSNP rs1375242070, ClinGen allele CA349070235.